The following is an entry in ClinVar:

ClinVar aggregate classification (germline): Uncertain significance (1 of 4 stars; one submission).

Conditions:
Oligodontia-cancer predisposition syndrome. Also called: TOOTH AGENESIS-COLORECTAL CANCER SYNDROME. Identifiers: Orphanet 300576, MedGen C1837750, MONDO:0012075, OMIM 608615. Disease mechanism: loss of function.

gnomAD v4.1: 1 of 1,599,494 alleles (0.000063%); highest among the groups gnomAD compares: South Asian, 0.0011%; no homozygotes.

Submission:

Labcorp Genetics (formerly Invitae), Labcorp
Classification: Uncertain significance for Oligodontia-cancer predisposition syndrome. Last evaluated: 2024-07-30. Review status: criteria provided, single submitter. Criteria: Invitae Variant Classification Sherloc (09022015). Collection method: clinical testing. Allele origin: germline.
Comment: This sequence change replaces glutamic acid, which is acidic and polar, with glutamine, which is neutral and polar, at codon 59 of the AXIN2 protein (p.Glu59Gln). This variant is present in population databases (rs773477442, gnomAD 0.004%). This variant has not been reported in the literature in individuals affected with AXIN2-related conditions. Advanced modeling of protein sequence and biophysical properties (such as structural, functional, and spatial information, amino acid conservation, physicochemical variation, residue mobility, and thermodynamic stability) performed at Invitae indicates that this missense variant is not expected to disrupt AXIN2 protein function with a negative predictive value of 80%. In summary, the available evidence is currently insufficient to determine the role of this variant in disease. Therefore, it has been classified as a Variant of Uncertain Significance.

NM_004655.4(AXIN2):c.175G>C (p.Glu59Gln)

Gene: AXIN2 (axin 2; minus strand). Cytogenetic location: 17q24.1.
Variant type: single nucleotide variant.
Coding change: c.175G>C on transcript NM_004655.4 (MANE Select); coding-DNA position 175, G replaced by C.
Protein change: p.Glu59Gln; replaces glutamic acid 59 with glutamine.
Molecular consequence: missense variant.
Genome position (GRCh38, 1-based): chr17:65,558,446, C>G on the plus strand (G>C on the coding strand, the complement: AXIN2 is on the minus strand). VCF-style: chr17-65558446-C-G. GRCh37 (hg19) VCF-style: chr17-63554564-C-G.
Other names: c.175G>C, p.Glu59Gln (NM_001363813.1); short protein forms E59Q.
Identifiers: ClinVar variation 3660907 (VCV003660907.2).